The following is an entry in ClinVar:

ClinVar aggregate classification (germline): Uncertain significance. Review status: criteria provided, multiple submitters, no conflicts (2 of 4 stars). 4 submissions from 4 submitters: Uncertain significance (3). 1 of the submissions does not count toward it. Last evaluated 2025-09-04.

Conditions:
Inborn genetic diseases. Identifiers: MedGen C0950123, MeSH D030342.
Autosomal recessive retinitis pigmentosa. Identifiers: MedGen C0339526.

Allele frequency attached by ClinVar (database versions not stated): gnomAD exomes 0.00002 and 0.00003; ExAC 0.00005; gnomAD 0.00005 and 0.00006; TOPMed 0.00006.
gnomAD v4.1: 35 of 1,551,184 alleles (0.0023%); highest among the groups gnomAD compares: African/African-American, 0.018%; no homozygotes.

Submissions (4):

Ambry Genetics
Classification: Uncertain significance for Inborn genetic diseases. Last evaluated: 2025-09-04. Review status: criteria provided, single submitter. Criteria: Ambry Variant Classification Scheme 2023. Collection method: clinical testing. Allele origin: germline.

Labcorp Genetics (formerly Invitae), Labcorp
Classification: Uncertain significance. Last evaluated: 2022-05-07. Review status: criteria provided, single submitter. Criteria: Invitae Variant Classification Sherloc (09022015). Collection method: clinical testing. Allele origin: germline.
Comment: This sequence change replaces serine, which is neutral and polar, with leucine, which is neutral and non-polar, at codon 1367 of the EYS protein (p.Ser1367Leu). This variant is present in population databases (rs773888841, gnomAD 0.01%). This variant has not been reported in the literature in individuals affected with EYS-related conditions. ClinVar contains an entry for this variant (Variation ID: 990040). Algorithms developed to predict the effect of missense changes on protein structure and function (SIFT, PolyPhen-2, Align-GVGD) all suggest that this variant is likely to be tolerated. In summary, the available evidence is currently insufficient to determine the role of this variant in disease. Therefore, it has been classified as a Variant of Uncertain Significance.

Blueprint Genetics
Classification: Uncertain significance. Last evaluated: 2021-10-11. Review status: criteria provided, single submitter. Criteria: ACMG Guidelines, 2015. Collection method: clinical testing. Allele origin: germline.

Natera, Inc.
Classification: Uncertain significance for Autosomal recessive retinitis pigmentosa. Last evaluated: 2020-09-09. Review status: no assertion criteria provided. Collection method: clinical testing. Allele origin: germline. Not counted in ClinVar's aggregate classification.

NM_001142800.2(EYS):c.4100C>T (p.Ser1367Leu)

Gene: EYS (EGF-like photoreceptor maintenance factor; minus strand). Cytogenetic location: 6q12.
Variant type: single nucleotide variant.
Coding change: c.4100C>T on transcript NM_001142800.2 (MANE Select); coding-DNA position 4100, C replaced by T.
Protein change: p.Ser1367Leu; replaces serine 1367 with leucine.
Molecular consequence: missense variant.
Genome position (GRCh38, 1-based): chr6:64,591,767, G>A on the plus strand (C>T on the coding strand, the complement: EYS is on the minus strand). VCF-style: chr6-64591767-G-A. GRCh37 (hg19) VCF-style: chr6-65301660-G-A.
Other names: c.4100C>T (NM_001142800.1); c.4100C>T, p.Ser1367Leu (NM_001292009.2); short protein forms S1367L.
Identifiers: ClinVar variation 990040 (VCV000990040.5), dbSNP rs773888841, ClinGen allele CA3877108.